The following is an entry in ClinVar:

NM_016642.4(SPTBN5):c.9307G>A (p.Glu3103Lys)

Gene: SPTBN5 (spectrin beta, non-erythrocytic 5; minus strand). Cytogenetic location: 15q15.1.
Variant type: single nucleotide variant.
Coding change: c.9307G>A on transcript NM_016642.4 (MANE Select); coding-DNA position 9307, G replaced by A.
Protein change: p.Glu3103Lys; replaces glutamic acid 3103 with lysine.
Molecular consequence: missense variant.
Genome position (GRCh38, 1-based): chr15:41,855,340, C>T on the plus strand (G>A on the coding strand, the complement: SPTBN5 is on the minus strand). VCF-style: chr15-41855340-C-T. GRCh37 (hg19) VCF-style: chr15-42147538-C-T.
Other names: c.9202G>A (NM_016642.2); short protein forms E3103K.
Identifiers: ClinVar variation 2504141 (VCV002504141.3), dbSNP rs755854565, ClinGen allele CA7501485.
Genomic context (GRCh38, chr15:41,855,340, plus strand): 5'-TGGTCAGCCAGGCGTCGAGGAGCAGGGTCTCTCGCTCCAGCTGGTGTAGCTGCAGCTGCT[C>T]CTGCAGGCCGTGCCCCCTGGCCTCCGCCCTCCGCAGCAGCTCTGCGTGGGCCTCCCGAAC-3'
Protein context (NP_057726.4, residues 3093-3113): RAEARGHGLQ[Glu3103Lys]QLQLHQLERE

ClinVar aggregate classification (germline): Uncertain significance. Review status: criteria provided, multiple submitters, no conflicts (2 of 4 stars). 2 submissions from 2 submitters: Uncertain significance (2). Last evaluated 2025-05-28.

Allele frequency attached by ClinVar (database versions not stated): TOPMed 0.00002; gnomAD exomes 0.00003; ExAC 0.00001; gnomAD 0.00002.
gnomAD v4.1: 46 of 1,607,258 alleles (0.0029%); highest among the groups gnomAD compares: Non-Finnish European, 0.0035%; 1 homozygote.

Submissions (2):

Ambry Genetics
Classification: Uncertain significance. Last evaluated: 2025-05-28. Review status: criteria provided, single submitter. Criteria: Ambry Variant Classification Scheme 2023. Collection method: clinical testing. Allele origin: germline.

Centre of Medical Genetics, University Hospital Muenster
Classification: Uncertain significance. Last evaluated: 2023-04-18. Review status: criteria provided, single submitter. Criteria: ACMG Guidelines, 2015. Collection method: clinical testing. Allele origin: unknown. Affected: yes. Observed: 1 variant allele, 1 heterozygote.
Comment: ACMG categories: PM2